The following is an entry in ClinVar:

ClinVar aggregate classification (germline): Uncertain significance (1 of 4 stars; one submission).

Conditions:
Hereditary pancreatitis (PCTT). Also called: Hereditary chronic pancreatitis; PRSS1-Related Hereditary Pancreatitis. Identifiers: Orphanet 676, MedGen C0238339, MONDO:0008185, OMIM 167800.

Submission:

Ambry Genetics
Classification: Uncertain significance for Hereditary pancreatitis. Last evaluated: 2026-06-02. Review status: criteria provided, single submitter. Criteria: Ambry Variant Classification Scheme 2023. Collection method: clinical testing. Allele origin: germline.
Comment: The p.E153K variant (also known as c.457G>A), located in coding exon 4 of the CPA1 gene, results from a G to A substitution at nucleotide position 457. The glutamic acid at codon 153 is replaced by lysine, an amino acid with similar properties. This amino acid position is conserved. In addition, this alteration is predicted to be tolerated by in silico analysis. Based on the available evidence, the clinical significance of this variant remains unclear.

NM_001868.4(CPA1):c.457G>A (p.Glu153Lys)

Gene: CPA1 (carboxypeptidase A1; plus strand). Cytogenetic location: 7q32.2.
Variant type: single nucleotide variant.
Coding change: c.457G>A on transcript NM_001868.4 (MANE Select); coding-DNA position 457, G replaced by A.
Protein change: p.Glu153Lys; replaces glutamic acid 153 with lysine.
Molecular consequence: missense variant.
Genome position (GRCh38, 1-based): chr7:130,382,183, G>A. VCF-style: chr7-130382183-G-A. GRCh37 (hg19) VCF-style: chr7-130022024-G-A.
Other names: short protein forms E153K.
Identifiers: ClinVar variation 4869382 (VCV004869382.1).